The following is an entry in ClinVar:

ClinVar aggregate classification (germline): Benign. Review status: criteria provided, multiple submitters, no conflicts (2 of 4 stars). 4 submissions from 4 submitters: Benign (3). 1 of the submissions does not count toward it. Last evaluated 2026-01-26.

Conditions:
DNAJC12-related disorder. Also called: DNAJC12-related condition.

Allele frequency attached by ClinVar (database versions not stated): gnomAD exomes 0.00289 and 0.00735; ExAC 0.00909; gnomAD 0.02779 and 0.02971; ESP Exome Variant Server 0.03045; TOPMed 0.03278; 1000 Genomes Project 0.03375; 1000 Genomes Project 30x 0.03638.

Submissions (4):

Labcorp Genetics (formerly Invitae), Labcorp
Classification: Benign. Last evaluated: 2026-01-26. Review status: criteria provided, single submitter. Criteria: Invitae Variant Classification Sherloc (09022015). Collection method: clinical testing. Allele origin: germline.

GeneDx
Classification: Benign. Last evaluated: 2019-03-29. Review status: criteria provided, single submitter. Criteria: GeneDx Variant Classification Process June 2021. Collection method: clinical testing. Allele origin: germline. Affected: yes.

Breakthrough Genomics
Classification: Benign. Review status: criteria provided, single submitter. Criteria: ACMG Guidelines, 2015. Collection method: not provided. Allele origin: germline. Inheritance: Autosomal recessive inheritance. Affected: yes.

PreventionGenetics, part of Exact Sciences
Classification: Benign for DNAJC12-related condition. Last evaluated: 2019-06-27. Review status: no assertion criteria provided. Collection method: clinical testing. Allele origin: germline. Not counted in ClinVar's aggregate classification.
Comment: This variant is classified as benign based on ACMG/AMP sequence variant interpretation guidelines (Richards et al. 2015 PMID: 25741868, with internal and published modifications).

NM_021800.3(DNAJC12):c.297+18T>G

Gene: DNAJC12 (DnaJ heat shock protein family (Hsp40) member C12; minus strand). Cytogenetic location: 10q21.3.
Variant type: single nucleotide variant.
Coding change: c.297+18T>G on transcript NM_021800.3 (MANE Select); 18 bases into the intron after coding-DNA position 297, T replaced by G.
Molecular consequence: intron variant. On other transcripts: synonymous variant (1).
Genome position (GRCh38, 1-based): chr10:67,811,506, A>C on the plus strand (T>G on the coding strand, the complement: DNAJC12 is on the minus strand). VCF-style: chr10-67811506-A-C. GRCh37 (hg19) VCF-style: chr10-69571264-A-C.
Other names: c.315T>G (NM_201262.1); c.315T>G, p.Gly105= (NM_201262.2).
Identifiers: ClinVar variation 1170480 (VCV001170480.14), dbSNP rs77068920, ClinGen allele CA5520849.
Genomic context (GRCh38, chr10:67,811,506, plus strand): 5'-CTTTAAGCTACTACATGAGTCTAATCCATGGGCATCCTGAGCTTCACAAATTCACGTCGC[A>C]CCCAGCGAGAAACCCACCGTCTTCACTGAGTCATTCAAAGCTTCCCACTGCTGGAATGGC-3'